The following is an entry in ClinVar:

NC_000001.10:g.(?_197297532)_(197447009_?)dup

Gene: CRB1 (crumbs cell polarity complex component 1; plus strand). Cytogenetic location: 1q31.3.
Variant type: Duplication.
Identifiers: ClinVar variation 2427680 (VCV002427680.3).

ClinVar aggregate classification (germline): Uncertain significance (1 of 4 stars; one submission).

Conditions:
Retinitis pigmentosa 12 (RP12). Also called: RP WITH OR WITHOUT PRESERVED PARAARTERIOLE RETINAL PIGMENT EPITHELIUM; RETINITIS PIGMENTOSA WITH OR WITHOUT PARAARTERIOLAR PRESERVATION OF RETINAL PIGMENT EPITHELIUM; RP WITH OR WITHOUT PPRPE. Identifiers: Orphanet 791, MedGen C1838647, MONDO:0010818, OMIM 600105.
Leber congenital amaurosis 8 (LCA8). Identifiers: Orphanet 65, MedGen C3151202, MONDO:0013453, OMIM 613835.

Submission:

Labcorp Genetics (formerly Invitae), Labcorp
Classification: Uncertain significance for Leber congenital amaurosis 8; Retinitis pigmentosa 12. Last evaluated: 2022-02-21. Review status: criteria provided, single submitter. Criteria: Invitae Variant Classification Sherloc (09022015). Collection method: clinical testing. Allele origin: germline.
Comment: This variant results in a copy number gain of the genomic region encompassing exon(s) 2-12 of the CRB1 gene. This region includes the termination codon of the gene. This copy number gain extends beyond the assayed region for this gene and therefore may encompass additional genes. As the precise location of this event is unknown, it may be in tandem or it may be located elsewhere in the genome. This variant has not been reported in the literature in individuals affected with CRB1-related conditions. In summary, the available evidence is currently insufficient to determine the role of this variant in disease. Therefore, it has been classified as a Variant of Uncertain Significance.